The following is an entry in ClinVar:

ClinVar aggregate classification (germline): Uncertain significance. Review status: criteria provided, single submitter (1 of 4 stars). 2 submissions from 2 submitters: Uncertain significance (1). 1 of the submissions does not count toward it. Last evaluated 2025-03-10.

Conditions:
CACNA1E-related disorder. Also called: CACNA1E-related condition.

Allele frequency attached by ClinVar (database versions not stated): gnomAD exomes below 0.00001.
gnomAD v4.1: 2 of 1,614,038 alleles (0.00012%); no homozygotes.

Submissions (2):

Labcorp Genetics (formerly Invitae), Labcorp
Classification: Uncertain significance. Last evaluated: 2025-03-10. Review status: criteria provided, single submitter. Criteria: Invitae Variant Classification Sherloc (09022015). Collection method: clinical testing. Allele origin: germline.
Comment: This sequence change replaces tyrosine, which is neutral and polar, with phenylalanine, which is neutral and non-polar, at codon 277 of the CACNA1E protein (p.Tyr277Phe). This variant is present in population databases (no rsID available, gnomAD 0.006%). This variant has not been reported in the literature in individuals affected with CACNA1E-related conditions. ClinVar contains an entry for this variant (Variation ID: 1427914). Invitae Evidence Modeling of protein sequence and biophysical properties (such as structural, functional, and spatial information, amino acid conservation, physicochemical variation, residue mobility, and thermodynamic stability) has been performed for this missense variant. However, the output from this modeling did not meet the statistical confidence thresholds required to predict the impact of this variant on CACNA1E protein function. In summary, the available evidence is currently insufficient to determine the role of this variant in disease. Therefore, it has been classified as a Variant of Uncertain Significance.

PreventionGenetics, part of Exact Sciences
Classification: Uncertain significance for CACNA1E-related condition. Last evaluated: 2023-11-02. Review status: no assertion criteria provided. Collection method: clinical testing. Allele origin: germline. Not counted in ClinVar's aggregate classification.
Comment: The CACNA1E c.830A>T variant is predicted to result in the amino acid substitution p.Tyr277Phe. To our knowledge, this variant has not been reported in the literature. This variant is reported in 0.0056% of alleles in individuals of East Asian descent in gnomAD. At this time, the clinical significance of this variant is uncertain due to the absence of conclusive functional and genetic evidence.

NM_001205293.3(CACNA1E):c.830A>T (p.Tyr277Phe)

Gene: CACNA1E (calcium voltage-gated channel subunit alpha1 E; plus strand). Cytogenetic location: 1q25.3.
Variant type: single nucleotide variant.
Coding change: c.830A>T on transcript NM_001205293.3 (MANE Select); coding-DNA position 830, A replaced by T.
Protein change: p.Tyr277Phe; replaces tyrosine 277 with phenylalanine.
Molecular consequence: missense variant.
Genome position (GRCh38, 1-based): chr1:181,580,655, A>T. VCF-style: chr1-181580655-A-T. GRCh37 (hg19) VCF-style: chr1-181549791-A-T.
Other names: c.830A>T, p.Tyr277Phe (NM_000721.4, NM_001205294.2); c.830A>T (NM_000721.3); short protein forms Y277F.
Identifiers: ClinVar variation 1427914 (VCV001427914.8), dbSNP rs893862692, ClinGen allele CA34188387.
Genomic context (GRCh38, chr1:181,580,655, plus strand): 5'-GTATTCTAGAAGGATTTGACCCCCCTCACCCATGTGGTGTGCAGGGCTGCCCAGCTGGTT[A>T]TGAATGCAAGGACTGGATCGGCCCCAATGATGGGATCACCCAGTTTGATAACATCCTTTT-3'
Protein context (NP_001192222.1, residues 267-287): PCGVQGCPAG[Tyr277Phe]ECKDWIGPND